The following is an entry in ClinVar:

ClinVar aggregate classification (germline): Uncertain significance. Review status: criteria provided, multiple submitters, no conflicts (2 of 4 stars). 2 submissions from 2 submitters: Uncertain significance (2). Last evaluated 2024-09-11.

Conditions:
Hypertrophic cardiomyopathy. Also called: HYPERTROPHIC MYOCARDIOPATHY. Identifiers: Orphanet 217569, MedGen C0007194, MeSH D002312, MONDO:0005045, HP:0001639.

gnomAD v4.1: 4 of 1,611,910 alleles (0.00025%); highest among the groups gnomAD compares: Non-Finnish European, 0.00034%; no homozygotes.

Submissions (2):

All of Us Research Program, National Institutes of Health
Classification: Uncertain significance for Hypertrophic cardiomyopathy. Last evaluated: 2024-09-11. Review status: criteria provided, single submitter. Criteria: ACMG Guidelines, 2015. Collection method: clinical testing. Allele origin: germline. Inheritance: Autosomal dominant inheritance. Observed: 1 variant allele, 1 heterozygote.
Comment: This study involves interpretation of variants in research participants for the purpose of population health screening. Participant phenotype was not available at the time of variant classification. Additional details can be found in publication PMID: 35346344, PMCID: PMC8962531

Labcorp Genetics (formerly Invitae), Labcorp
Classification: Uncertain significance for Hypertrophic cardiomyopathy. Last evaluated: 2019-05-31. Review status: criteria provided, single submitter. Criteria: Invitae Variant Classification Sherloc (09022015). Collection method: clinical testing. Allele origin: germline.
Comment: This variant has not been reported in the literature in individuals with MYBPC3-related conditions. This variant is not present in population databases (ExAC no frequency). This sequence change replaces glycine with arginine at codon 532 of the MYBPC3 protein (p.Gly532Arg). The glycine residue is highly conserved and there is a moderate physicochemical difference between glycine and arginine. Algorithms developed to predict the effect of missense changes on protein structure and function (SIFT, PolyPhen-2, Align-GVGD) all suggest that this variant is likely to be disruptive, but these predictions have not been confirmed by published functional studies and their clinical significance is uncertain. In summary, the available evidence is currently insufficient to determine the role of this variant in disease. Therefore, it has been classified as a Variant of Uncertain Significance.

NM_000256.3(MYBPC3):c.1594G>C (p.Gly532Arg)

Gene: MYBPC3 (myosin binding protein C3; minus strand). Cytogenetic location: 11p11.2.
Variant type: single nucleotide variant.
Coding change: c.1594G>C on transcript NM_000256.3 (MANE Select); coding-DNA position 1594, G replaced by C.
Protein change: p.Gly532Arg; replaces glycine 532 with arginine.
Molecular consequence: missense variant.
Genome position (GRCh38, 1-based): chr11:47,342,608, C>G on the plus strand (G>C on the coding strand, the complement: MYBPC3 is on the minus strand). VCF-style: chr11-47342608-C-G. GRCh37 (hg19) VCF-style: chr11-47364159-C-G.
Other names: short protein forms G532R.
Identifiers: ClinVar variation 935515 (VCV000935515.10), dbSNP rs1259569042, ClinGen allele CA380325039.